The following is an entry in ClinVar:

NM_006005.3(WFS1):c.460+1G>A

Gene: WFS1 (wolframin ER transmembrane glycoprotein; plus strand). Cytogenetic location: 4p16.1.
Variant type: single nucleotide variant.
Coding change: c.460+1G>A on transcript NM_006005.3 (MANE Select); the canonical splice donor site of the intron after coding-DNA position 460, G replaced by A.
Molecular consequence: splice donor variant.
Genome position (GRCh38, 1-based): chr4:6,289,132, G>A. VCF-style: chr4-6289132-G-A. GRCh37 (hg19) VCF-style: chr4-6290859-G-A.
Other names: 460, G-A, +1; c.460+1G>A (NM_001145853.1).
Identifiers: ClinVar variation 4515 (VCV000004515.9), dbSNP rs1191510461, ClinGen allele CA356171817.

ClinVar aggregate classification (germline): Pathogenic. Review status: criteria provided, multiple submitters, no conflicts (2 of 4 stars). 3 submissions from 3 submitters: Pathogenic (2). 1 of the submissions does not count toward it. Last evaluated 2024-10-23.

Conditions:
Wolfram syndrome 1 (WFS1). Identifiers: Orphanet 3463, MedGen C4551693, MONDO:0009101, OMIM 222300.

gnomAD v4.1: 3 of 1,573,990 alleles (0.00019%); highest among the groups gnomAD compares: Middle Eastern, 0.017%; no homozygotes.

Submissions (3):

Labcorp Genetics (formerly Invitae), Labcorp
Classification: Pathogenic. Last evaluated: 2024-10-23. Review status: criteria provided, single submitter. Criteria: Invitae Variant Classification Sherloc (09022015). Collection method: clinical testing. Allele origin: germline.
Comment: This sequence change affects a donor splice site in intron 4 of the WFS1 gene. It is expected to disrupt RNA splicing. Variants that disrupt the donor or acceptor splice site typically lead to a loss of protein function (PMID: 16199547), and loss-of-function variants in WFS1 are known to be pathogenic (PMID: 12955714). This variant is not present in population databases (gnomAD no frequency). Disruption of this splice site has been observed in individual(s) with Wolfram syndrome (PMID: 9817917, 25173644, 27468121). It has also been observed to segregate with disease in related individuals. ClinVar contains an entry for this variant (Variation ID: 4515). Algorithms developed to predict the effect of sequence changes on RNA splicing suggest that this variant may disrupt the consensus splice site. For these reasons, this variant has been classified as Pathogenic.

GeneDx
Classification: Pathogenic. Last evaluated: 2019-07-24. Review status: criteria provided, single submitter. Criteria: GeneDx Variant Classification Process June 2021. Collection method: clinical testing. Allele origin: germline. Affected: yes.
Comment: Canonical splice site variant in a gene for which loss-of-function is a known mechanism of disease; Not observed in large population cohorts (Lek et al., 2016); This variant is associated with the following publications: (PMID: 25173644, 9817917, 12707373, 27468121, 21968327, 20972738, 11317350, 11554774)

OMIM
Classification: Pathogenic for WOLFRAM SYNDROME 1. Last evaluated: 1998-12-01. Review status: no assertion criteria provided. Collection method: literature only. Allele origin: germline. Not counted in ClinVar's aggregate classification.

Literature cited by the submitters: PubMed 16199547 (cited by Labcorp Genetics (formerly Invitae), Labcorp); PubMed 12955714 (cited by Labcorp Genetics (formerly Invitae), Labcorp); PubMed 9817917 (cited by Labcorp Genetics (formerly Invitae), Labcorp and OMIM); PubMed 25173644 (cited by Labcorp Genetics (formerly Invitae), Labcorp); PubMed 27468121 (cited by Labcorp Genetics (formerly Invitae), Labcorp).